The following is an entry in ClinVar:

NM_152309.3(PIK3AP1):c.2306C>T (p.Pro769Leu)

Gene: PIK3AP1 (phosphoinositide-3-kinase adaptor protein 1; minus strand). Cytogenetic location: 10q24.1.
Variant type: single nucleotide variant.
Coding change: c.2306C>T on transcript NM_152309.3 (MANE Select); coding-DNA position 2306, C replaced by T.
Protein change: p.Pro769Leu; replaces proline 769 with leucine.
Molecular consequence: missense variant.
Genome position (GRCh38, 1-based): chr10:96,602,334, G>A on the plus strand (C>T on the coding strand, the complement: PIK3AP1 is on the minus strand). VCF-style: chr10-96602334-G-A. GRCh37 (hg19) VCF-style: chr10-98362091-G-A.
Other names: short protein forms P769L.
Identifiers: ClinVar variation 4748880 (VCV004748880.1).

ClinVar aggregate classification (germline): Uncertain significance (1 of 4 stars; one submission).

Conditions:
Infantile spasms. Also called: Infantile spasm. Identifiers: MedGen C3887898, HP:0012469.

Submission:

Labcorp Genetics (formerly Invitae), Labcorp
Classification: Uncertain significance for Infantile spasms. Last evaluated: 2025-08-31. Review status: criteria provided, single submitter. Criteria: Invitae Variant Classification Sherloc (09022015). Collection method: clinical testing. Allele origin: germline.
Comment: This sequence change replaces proline, which is neutral and non-polar, with leucine, which is neutral and non-polar, at codon 769 of the PIK3AP1 protein (p.Pro769Leu). This variant is not present in population databases (gnomAD no frequency). This variant has not been reported in the literature in individuals affected with PIK3AP1-related conditions. An algorithm developed to predict the effect of missense changes on protein structure and function outputs the following: PolyPhen-2: "Benign". The leucine amino acid residue is found in multiple mammalian species, which suggests that this missense change does not adversely affect protein function. In summary, the available evidence is currently insufficient to determine the role of this variant in disease. Therefore, it has been classified as a Variant of Uncertain Significance.